The following is an entry in ClinVar:

ClinVar aggregate classification (germline): Conflicting classifications of pathogenicity. Review status: criteria provided, conflicting classifications (1 of 4 stars). 5 submissions from 5 submitters: Uncertain significance (1); Benign (3); Likely benign (1). Last evaluated 2026-01-30.

Conditions:
Centromeric instability of chromosomes 1,9 and 16 and immunodeficiency (ICF1). Also called: IMMUNE DEFICIENCY, VARIABLE, WITH CENTROMERIC INSTABILITY OF CHROMOSOMES 1, 9, AND 16; IMMUNODEFICIENCY SYNDROME, VARIABLE; CENTROMERIC INSTABILITY, IMMUNODEFICIENCY SYNDROME; Immunodeficiency-centromeric instability-facial anomalies. Identifiers: Orphanet 2268, MedGen C0398788, MONDO:0000133.
Kabuki syndrome 1 (KABUK1). Also called: KMT2D-Related Kabuki Syndrome. Identifiers: Orphanet 2322, MedGen CN030661, MONDO:0007843, OMIM 147920.
Immunodeficiency-centromeric instability-facial anomalies syndrome 1 (ICF1). Identifiers: Orphanet 2268, MedGen C4551557, MONDO:0009454, OMIM 242860.

Allele frequency attached by ClinVar (database versions not stated): ESP Exome Variant Server 0.00023; gnomAD 0.00023 and 0.00244; TOPMed 0.00048; gnomAD exomes 0.00383 and 0.00781; ExAC 0.00889; 1000 Genomes Project 30x 0.01499; 1000 Genomes Project 0.01597.
gnomAD v4.1: 6,023 of 1,614,242 alleles (0.37%); highest among the groups gnomAD compares: South Asian, 6.1%; 235 homozygotes.

Submissions (5):

Labcorp Genetics (formerly Invitae), Labcorp
Classification: Benign for Centromeric instability of chromosomes 1,9 and 16 and immunodeficiency. Last evaluated: 2026-01-30. Review status: criteria provided, single submitter. Criteria: Invitae Variant Classification Sherloc (09022015). Collection method: clinical testing. Allele origin: germline.

Women's Health and Genetics/Laboratory Corporation of America, LabCorp
Classification: Likely benign. Last evaluated: 2022-05-03. Review status: criteria provided, single submitter. Criteria: LabCorp Variant Classification Summary - May 2015. Collection method: clinical testing. Allele origin: germline.

GeneDx
Classification: Benign. Last evaluated: 2019-10-16. Review status: criteria provided, single submitter. Criteria: GeneDx Variant Classification Process June 2021. Collection method: clinical testing. Allele origin: germline. Affected: yes.
Comment: This variant is associated with the following publications: (PMID: 29255178)

Illumina Laboratory Services, Illumina
Classification: Benign for Immunodeficiency-centromeric instability-facial anomalies syndrome 1. Last evaluated: 2018-01-13. Review status: criteria provided, single submitter. Criteria: ICSL Variant Classification Criteria 13 December 2019. Collection method: clinical testing. Allele origin: germline.
Comment: This variant was observed in the ICSL laboratory as part of a predisposition screen in an ostensibly healthy population. It had not been previously curated by ICSL or reported in the Human Gene Mutation Database (HGMD: prior to June 1st, 2018), and was therefore a candidate for classification through an automated scoring system. Utilizing variant allele frequency, disease prevalence and penetrance estimates, and inheritance mode, an automated score was calculated to assess if this variant is too frequent to cause the disease. Based on the score and internal cut-off values, a variant classified as benign is not then subjected to further curation. The score for this variant resulted in a classification of benign for this disease.

Baylor-Hopkins Center for Mendelian Genomics, Johns Hopkins University School of Medicine
Classification: Uncertain significance for Kabuki syndrome 1. Review status: criteria provided, single submitter. Criteria: ACMG Guidelines, 2015. Collection method: research. Allele origin: unknown. Affected: yes. Observed: 1 variant allele.

Literature cited by the submitters: PubMed 29255178 (cited by Baylor-Hopkins Center for Mendelian Genomics, Johns Hopkins University School of Medicine).

NM_006892.4(DNMT3B):c.1211A>G (p.Tyr404Cys)

Gene: DNMT3B (DNA methyltransferase 3 beta; plus strand). Cytogenetic location: 20q11.21.
Variant type: single nucleotide variant.
Coding change: c.1211A>G on transcript NM_006892.4 (MANE Select); coding-DNA position 1211, A replaced by G.
Protein change: p.Tyr404Cys; replaces tyrosine 404 with cysteine.
Molecular consequence: missense variant.
Genome position (GRCh38, 1-based): chr20:32,795,493, A>G. VCF-style: chr20-32795493-A-G. GRCh37 (hg19) VCF-style: chr20-31383299-A-G.
Other names: c.1025A>G, p.Tyr342Cys (NM_001207055.2); c.923A>G, p.Tyr308Cys (NM_001207056.2); c.1151A>G, p.Tyr384Cys (NM_175848.2, NM_175849.2); c.1187A>G, p.Tyr396Cys (NM_175850.3); short protein forms Y404C, Y342C, Y384C, Y308C, Y396C.
Identifiers: ClinVar variation 338163 (VCV000338163.17), dbSNP rs143462810, ClinGen allele CA9810462.